The following is an entry in ClinVar:

ClinVar aggregate classification (germline): Uncertain significance. Review status: criteria provided, multiple submitters, no conflicts (2 of 4 stars). 2 submissions from 2 submitters: Uncertain significance (2). Last evaluated 2026-04-29.

Conditions:
EP300-related disorder. Also called: EP300-related disorders; EP300-related condition.

gnomAD v4.1: 4 of 1,613,940 alleles (0.00025%); highest among the groups gnomAD compares: Non-Finnish European, 0.00025%; no homozygotes.

Submissions (2):

PreventionGenetics, part of Exact Sciences
Classification: Uncertain significance for EP300-related condition. Last evaluated: 2026-04-29. Review status: criteria provided, single submitter. Criteria: ACMG Guidelines, 2015. Collection method: clinical testing. Allele origin: germline.
Comment: The EP300 c.6859A>G variant is predicted to result in the amino acid substitution p.Asn2287Asp. To our knowledge, this variant has not been reported in the literature or in a large population database (gnomAD), indicating this variant is rare. At this time, the clinical significance of this variant is uncertain due to the absence of conclusive functional and genetic evidence.

Greenwood Genetic Center Diagnostic Laboratories, Greenwood Genetic Center
Classification: Uncertain significance. Last evaluated: 2022-01-14. Review status: criteria provided, single submitter. Criteria: ACMG Guidelines, 2015. Collection method: clinical testing. Allele origin: germline. Affected: yes.
Comment: PM2

NM_001429.4(EP300):c.6859A>G (p.Asn2287Asp)

Gene: EP300 (EP300 lysine acetyltransferase; plus strand). Cytogenetic location: 22q13.2.
Variant type: single nucleotide variant.
Coding change: c.6859A>G on transcript NM_001429.4 (MANE Select); coding-DNA position 6859, A replaced by G.
Protein change: p.Asn2287Asp; replaces asparagine 2287 with aspartic acid.
Molecular consequence: missense variant.
Genome position (GRCh38, 1-based): chr22:41,178,570, A>G. VCF-style: chr22-41178570-A-G. GRCh37 (hg19) VCF-style: chr22-41574574-A-G.
Other names: c.6859A>G (NM_001429.3); c.6781A>G, p.Asn2261Asp (NM_001362843.2); short protein forms N2261D, N2287D.
Identifiers: ClinVar variation 1676526 (VCV001676526.4), dbSNP rs2145522603, ClinGen allele CA411682903.